The following is an entry in ClinVar:

ClinVar aggregate classification (germline): Uncertain significance. Review status: criteria provided, multiple submitters, no conflicts (2 of 4 stars). 2 submissions from 2 submitters: Uncertain significance (2). Last evaluated 2024-04-06.

Allele frequency attached by ClinVar (database versions not stated): TOPMed 0.00006; gnomAD 0.00007 and 0.00009; gnomAD exomes 0.00010 and 0.00011; ExAC 0.00013; ESP Exome Variant Server 0.00031.
gnomAD v4.1: 173 of 1,587,316 alleles (0.011%); highest among the groups gnomAD compares: East Asian, 0.029%; 1 homozygote.

Submissions (2):

Labcorp Genetics (formerly Invitae), Labcorp
Classification: Uncertain significance. Last evaluated: 2024-04-06. Review status: criteria provided, single submitter. Criteria: Invitae Variant Classification Sherloc (09022015). Collection method: clinical testing. Allele origin: germline.
Comment: This sequence change replaces valine, which is neutral and non-polar, with isoleucine, which is neutral and non-polar, at codon 647 of the HMCN1 protein (p.Val647Ile). The frequency data for this variant in the population databases is considered unreliable, as metrics indicate poor data quality at this position in the gnomAD database. This variant has not been reported in the literature in individuals affected with HMCN1-related conditions. ClinVar contains an entry for this variant (Variation ID: 1351629). Algorithms developed to predict the effect of missense changes on protein structure and function output the following: SIFT: "Not Available"; PolyPhen-2: "Benign"; Align-GVGD: "Not Available". The isoleucine amino acid residue is found in multiple mammalian species, which suggests that this missense change does not adversely affect protein function. In summary, the available evidence is currently insufficient to determine the role of this variant in disease. Therefore, it has been classified as a Variant of Uncertain Significance.

Ambry Genetics
Classification: Uncertain significance. Last evaluated: 2024-01-30. Review status: criteria provided, single submitter. Criteria: Ambry Variant Classification Scheme 2023. Collection method: clinical testing. Allele origin: germline.

NM_031935.3(HMCN1):c.1939G>A (p.Val647Ile)

Gene: HMCN1 (hemicentin 1; plus strand). Cytogenetic location: 1q31.1.
Variant type: single nucleotide variant.
Coding change: c.1939G>A on transcript NM_031935.3 (MANE Select); coding-DNA position 1939, G replaced by A.
Protein change: p.Val647Ile; replaces valine 647 with isoleucine.
Molecular consequence: missense variant.
Genome position (GRCh38, 1-based): chr1:185,962,628, G>A. VCF-style: chr1-185962628-G-A. GRCh37 (hg19) VCF-style: chr1-185931760-G-A.
Other names: c.1939G>A (NM_031935.2); short protein forms V647I.
Identifiers: ClinVar variation 1351629 (VCV001351629.7), dbSNP rs146964438, ClinGen allele CA1291239.